The following is an entry in ClinVar:

ClinVar aggregate classification (germline): Pathogenic (1 of 4 stars; one submission).

Conditions:
Fanconi anemia (FA). Also called: Fanconi's anemia. Identifiers: Orphanet 84, MedGen C0015625, MeSH D005199, MONDO:0019391.

Submission:

Labcorp Genetics (formerly Invitae), Labcorp
Classification: Pathogenic for Fanconi anemia. Last evaluated: 2023-01-26. Review status: criteria provided, single submitter. Criteria: Invitae Variant Classification Sherloc (09022015). Collection method: clinical testing. Allele origin: unknown.
Comment: For these reasons, this variant has been classified as Pathogenic. This variant has not been reported in the literature in individuals affected with FANCA-related conditions. This variant is a gross deletion of the genomic region encompassing exon(s) 15-26 of the FANCA gene. This deletion is out-of-frame, and is expected to create a premature termination codon and result in an absent or disrupted protein product. Loss-of-function variants in FANCA are known to be pathogenic (PMID: 19367192).

Literature cited by the submitters: PubMed 19367192.

NC_000016.9:g.(?_89836225)_(89851392_?)del

Gene: FANCA (FA complementation group A; minus strand). Cytogenetic location: 16q24.3.
Variant type: Deletion.
Identifiers: ClinVar variation 3243250 (VCV003243250.1).